The following is an entry in ClinVar:

ClinVar aggregate classification (germline): Uncertain significance (1 of 4 stars; one submission).

Conditions:
Lipodystrophy, partial, acquired, susceptibility to (APLD). Also called: APLD, SUSCEPTIBILITY TO. Identifiers: MedGen C3887501, MONDO:0100476, OMIM 608709.
Progressive myoclonic epilepsy type 9. Identifiers: Orphanet 457265, MedGen C4225289, MONDO:0014685, OMIM 616540.

Submission:

Labcorp Genetics (formerly Invitae), Labcorp
Classification: Uncertain significance for Progressive myoclonic epilepsy type 9; Lipodystrophy, partial, acquired, susceptibility to. Last evaluated: 2021-12-14. Review status: criteria provided, single submitter. Criteria: Invitae Variant Classification Sherloc (09022015). Collection method: clinical testing. Allele origin: germline.
Comment: In summary, the available evidence is currently insufficient to determine the role of this variant in disease. Therefore, it has been classified as a Variant of Uncertain Significance. This variant, c.705_719del, results in the deletion of 5 amino acid(s) of the LMNB2 protein (p.Arg236_Arg240del), but otherwise preserves the integrity of the reading frame. This variant is not present in population databases (gnomAD no frequency). This variant has not been reported in the literature in individuals affected with LMNB2-related conditions. Experimental studies and prediction algorithms are not available or were not evaluated, and the functional significance of this variant is currently unknown.

NM_032737.4(LMNB2):c.705_719del (p.Arg236_Arg240del)

Gene: LMNB2 (lamin B2; minus strand). Cytogenetic location: 19p13.3.
Variant type: Deletion.
Coding change: c.705_719del on transcript NM_032737.4 (MANE Select); coding-DNA positions 705 to 719, 15 bases deleted (GCGGCACGAGCGGCG).
Protein change: p.Arg236_Arg240del.
Molecular consequence: inframe deletion.
Genome position (GRCh38, 1-based): chr19:2,435,137-2,435,151, CGCCGCTCGTGCCGC deleted on the plus strand (GCGGCACGAGCGGCG on the coding strand, the reverse complement: LMNB2 is on the minus strand); deleting any 15 consecutive bases within chr19:2,435,137-2,435,157 gives the same sequence; the c. name uses the placement nearest the transcript's 3' end. VCF-style (leftmost placement, unchanged base first): chr19-2435136-GCGCCGCTCGTGCCGC-G. GRCh37 (hg19) VCF-style: chr19-2435134-GCGCCGCTCGTGCCGC-G.
Identifiers: ClinVar variation 1429157 (VCV001429157.6), dbSNP rs2145449457, ClinGen allele CA2573155833.